The following is an entry in ClinVar:

ClinVar aggregate classification (germline): Pathogenic. Review status: criteria provided, multiple submitters, no conflicts (2 of 4 stars). 2 submissions from 2 submitters: Pathogenic (2). Last evaluated 2025-12-13.

Conditions:
Primary ciliary dyskinesia 23 (CILD23). Also called: CILIARY DYSKINESIA, PRIMARY, 23, WITH OR WITHOUT SITUS INVERSUS. Identifiers: Orphanet 244, MedGen C3809548, MONDO:0014193, OMIM 615451.

Submissions (2):

GeneDx
Classification: Pathogenic. Last evaluated: 2025-12-13. Review status: criteria provided, single submitter. Criteria: GeneDx Variant Classification Process June 2021. Collection method: clinical testing. Allele origin: germline. Affected: yes.
Comment: Nonsense variant predicted to result in protein truncation or nonsense mediated decay in a gene for which loss of function is a known mechanism of disease; Not observed at significant frequency in large population cohorts (gnomAD); Has not been previously published as pathogenic or benign to our knowledge

Labcorp Genetics (formerly Invitae), Labcorp
Classification: Pathogenic for Primary ciliary dyskinesia 23. Last evaluated: 2025-06-27. Review status: criteria provided, single submitter. Criteria: Invitae Variant Classification Sherloc (09022015). Collection method: clinical testing. Allele origin: germline.
Comment: This sequence change creates a premature translational stop signal (p.Val803*) in the ARMC4 gene. It is expected to result in an absent or disrupted protein product. Loss-of-function variants in ARMC4 are known to be pathogenic (PMID: 23849778). This variant is not present in population databases (gnomAD no frequency). This variant has not been reported in the literature in individuals affected with ARMC4-related conditions. ClinVar contains an entry for this variant (Variation ID: 280292). Algorithms developed to predict the effect of sequence changes on RNA splicing suggest that this variant may disrupt the consensus splice site. For these reasons, this variant has been classified as Pathogenic.

Literature cited by the submitters: PubMed 23849778 (cited by Labcorp Genetics (formerly Invitae), Labcorp).

NM_018076.5(ODAD2):c.2406del (p.Leu802_Val803insTer)

Gene: ODAD2 (outer dynein arm docking complex subunit 2; minus strand). Cytogenetic location: 10p12.1.
Variant type: Deletion.
Coding change: c.2406del on transcript NM_018076.5 (MANE Select); coding-DNA position 2406, one base deleted (T; older notation c.2406delT).
Protein change: p.Leu802_Val803insTer.
Molecular consequence: frameshift variant.
Genome position (GRCh38, 1-based): chr10:27,935,099, A deleted on the plus strand (T on the coding strand, the reverse complement: ODAD2 is on the minus strand); the first of 2 consecutive A bases (chr10:27,935,099-27,935,100); deleting either gives the same sequence. VCF-style (leftmost placement, unchanged base first): chr10-27935098-CA-C. GRCh37 (hg19) VCF-style: chr10-28224027-CA-C.
Other names: c.2406del, p.Leu802_Val803insTer (NM_001290020.2); c.981del, p.Leu327_Val328insTer (NM_001290021.2); c.1482del, p.Leu494_Val495insTer (NM_001312689.2); c.2406delT (NM_018076.3); c.2406del (NM_018076.3).
Identifiers: ClinVar variation 280292 (VCV000280292.4), dbSNP rs886041523, ClinGen allele CA10603120.